The following is an entry in ClinVar:

ClinVar aggregate classification (germline): Uncertain significance. Review status: criteria provided, multiple submitters, no conflicts (2 of 4 stars). 4 submissions from 4 submitters: Uncertain significance (4). Last evaluated 2025-06-25.

Conditions:
Inborn genetic diseases. Identifiers: MedGen C0950123, MeSH D030342.
TMC1-related disorder. Also called: TMC1-related disorders; TMC1-related condition.

Allele frequency attached by ClinVar (database versions not stated): gnomAD 0.00001; gnomAD exomes 0.00002 and 0.00008; TOPMed 0.00002; ExAC 0.00005.
gnomAD v4.1: 27 of 1,613,900 alleles (0.0017%); highest among the groups gnomAD compares: Admixed American, 0.032%; no homozygotes.

Submissions (4):

PreventionGenetics, part of Exact Sciences
Classification: Uncertain significance for TMC1-related condition. Last evaluated: 2025-06-25. Review status: criteria provided, single submitter. Criteria: ACMG Guidelines, 2015. Collection method: clinical testing. Allele origin: germline.
Comment: The TMC1 c.707C>T variant is predicted to result in the amino acid substitution p.Ser236Leu. To our knowledge, this variant has not been reported in the literature. This variant is reported in 0.055% of alleles in individuals of Latino descent in gnomAD. Although we suspect that this variant may be benign, at this time, the clinical significance of this variant is uncertain due to the absence of conclusive functional and genetic evidence.

Ambry Genetics
Classification: Uncertain significance for Inborn genetic diseases. Last evaluated: 2025-01-28. Review status: criteria provided, single submitter. Criteria: Ambry Variant Classification Scheme 2023. Collection method: clinical testing. Allele origin: germline.

GeneDx
Classification: Uncertain significance. Last evaluated: 2024-05-30. Review status: criteria provided, single submitter. Criteria: GeneDx Variant Classification Process June 2021. Collection method: clinical testing. Allele origin: germline. Affected: yes.
Comment: In silico analysis supports that this missense variant has a deleterious effect on protein structure/function; Has not been previously published as pathogenic or benign to our knowledge

Labcorp Genetics (formerly Invitae), Labcorp
Classification: Uncertain significance. Last evaluated: 2022-04-08. Review status: criteria provided, single submitter. Criteria: Invitae Variant Classification Sherloc (09022015). Collection method: clinical testing. Allele origin: germline.
Comment: This sequence change replaces serine, which is neutral and polar, with leucine, which is neutral and non-polar, at codon 236 of the TMC1 protein (p.Ser236Leu). This variant is present in population databases (rs751873680, gnomAD 0.06%). This variant has not been reported in the literature in individuals affected with TMC1-related conditions. Algorithms developed to predict the effect of missense changes on protein structure and function (SIFT, PolyPhen-2, Align-GVGD) all suggest that this variant is likely to be tolerated. In summary, the available evidence is currently insufficient to determine the role of this variant in disease. Therefore, it has been classified as a Variant of Uncertain Significance.

NM_138691.3(TMC1):c.707C>T (p.Ser236Leu)

Gene: TMC1 (transmembrane channel like 1; plus strand). Cytogenetic location: 9q21.13.
Variant type: single nucleotide variant.
Coding change: c.707C>T on transcript NM_138691.3 (MANE Select); coding-DNA position 707, C replaced by T.
Protein change: p.Ser236Leu; replaces serine 236 with leucine.
Molecular consequence: missense variant.
Genome position (GRCh38, 1-based): chr9:72,754,850, C>T. VCF-style: chr9-72754850-C-T. GRCh37 (hg19) VCF-style: chr9-75369766-C-T.
Other names: c.707C>T (NM_138691.2); short protein forms S236L.
Identifiers: ClinVar variation 1363507 (VCV001363507.8), dbSNP rs751873680, ClinGen allele CA5081763.